The following is an entry in ClinVar:

NM_004092.4(ECHS1):c.734A>G (p.Asn245Ser)

Gene: ECHS1 (enoyl-CoA hydratase, short chain 1; minus strand). Cytogenetic location: 10q26.3.
Variant type: single nucleotide variant.
Coding change: c.734A>G on transcript NM_004092.4 (MANE Select); coding-DNA position 734, A replaced by G.
Protein change: p.Asn245Ser; replaces asparagine 245 with serine.
Molecular consequence: missense variant.
Genome position (GRCh38, 1-based): chr10:133,365,981, T>C on the plus strand (A>G on the coding strand, the complement: ECHS1 is on the minus strand). VCF-style: chr10-133365981-T-C. GRCh37 (hg19) VCF-style: chr10-135179485-T-C.
Other names: short protein forms N245S.
Identifiers: ClinVar variation 424412 (VCV000424412.6), dbSNP rs1064796957, ClinGen allele CA16618943.
Genomic context (GRCh38, chr10:133,365,981, plus strand): 5'-AATGCTCCTGACAGCCACGGAGACCTCTCCAGTGTCTTCCTGGCAGATCCCCTACCTGCA[T>C]TCACTGATTCTTTGGCCATCGCTACTACAATTTTAGAATTGCTGGCAATTTTTTCTGCAC-3'
Protein context (NP_004083.3, residues 235-255): IVVAMAKESV[Asn245Ser]AAFEMTLTEG

ClinVar aggregate classification (germline): Uncertain significance. Review status: criteria provided, multiple submitters, no conflicts (2 of 4 stars). 3 submissions from 3 submitters: Uncertain significance (3). Last evaluated 2025-03-27.

Conditions:
Inborn genetic diseases. Identifiers: MedGen C0950123, MeSH D030342.

Allele frequency attached by ClinVar (database versions not stated): TOPMed below 0.00001.
gnomAD v4.1: 1 of 1,613,866 alleles (0.000062%); highest among the groups gnomAD compares: Non-Finnish European, 0.000085%; no homozygotes.

Submissions (3):

Ambry Genetics
Classification: Uncertain significance for Inborn genetic diseases. Last evaluated: 2025-03-27. Review status: criteria provided, single submitter. Criteria: Ambry Variant Classification Scheme 2023. Collection method: clinical testing. Allele origin: germline.

Labcorp Genetics (formerly Invitae), Labcorp
Classification: Uncertain significance. Last evaluated: 2022-08-20. Review status: criteria provided, single submitter. Criteria: Invitae Variant Classification Sherloc (09022015). Collection method: clinical testing. Allele origin: germline.
Comment: In summary, the available evidence is currently insufficient to determine the role of this variant in disease. Therefore, it has been classified as a Variant of Uncertain Significance. Algorithms developed to predict the effect of sequence changes on RNA splicing suggest that this variant may create or strengthen a splice site. Advanced modeling of protein sequence and biophysical properties (such as structural, functional, and spatial information, amino acid conservation, physicochemical variation, residue mobility, and thermodynamic stability) performed at Invitae indicates that this missense variant is expected to disrupt ECHS1 protein function. ClinVar contains an entry for this variant (Variation ID: 424412). This variant has not been reported in the literature in individuals affected with ECHS1-related conditions. This variant is not present in population databases (gnomAD no frequency). This sequence change replaces asparagine, which is neutral and polar, with serine, which is neutral and polar, at codon 245 of the ECHS1 protein (p.Asn245Ser).

GeneDx
Classification: Uncertain significance. Last evaluated: 2017-03-17. Review status: criteria provided, single submitter. Criteria: GeneDx Variant Classification (06012015). Collection method: clinical testing. Allele origin: germline. Affected: yes.
Comment: The c.734A>G variant in the ECHS1 gene has not been reported previously as a pathogenic variant, nor as a benign variant, to our knowledge. The c.734 A>G variant is not observed in large population cohorts (Lek et al., 2016; 1000 Genomes Consortium et al., 2015; Exome Variant Server). In-silico splice prediction models predict that c.734A>G may create a cryptic splice donor site in exon 6 that could supplant the natural splice donor site. However, in the absence of RNA/functional studies, the actual effect of the c.734A>G change in this individual is unknown. If c.734A>G does not alter splicing, it will result in the N245S missense change. The N245S variant is a conservative amino acid substitution, which is not likely to impact secondary protein structure as these residues share similar properties. This substitution occurs at a position where amino acids with similar properties to Asparagine are tolerated across species. In silico analysis predicts this variant is probably damaging to the protein structure/function. We interpret c.734A>G as a variant of uncertain significance.